The following is an entry in ClinVar:

ClinVar aggregate classification (germline): Benign. Review status: criteria provided, multiple submitters, no conflicts (2 of 4 stars). 3 submissions from 2 submitters: Benign (3). Last evaluated 2021-06-21.

Conditions:
Atypical hemolytic-uremic syndrome with B factor anomaly. Also called: HEMOLYTIC UREMIC SYNDROME, ATYPICAL, SUSCEPTIBILITY TO, 4; AHUS, SUSCEPTIBILITY TO, 4. Identifiers: Orphanet 2134, MedGen C2752038, MONDO:0013042, OMIM 612924.
Macular degeneration. Also called: Degenerative disorder of macula. Identifiers: MedGen C0024437, MONDO:0003004, HP:0000608.

Allele frequency attached by ClinVar (database versions not stated): TOPMed 0.02916; 1000 Genomes Project 30x 0.02936; 1000 Genomes Project 0.03055; ESP Exome Variant Server 0.03057; gnomAD 0.03305 and 0.03404; ExAC 0.03905; gnomAD exomes 0.04283.
gnomAD v4.1: 67,368 of 1,611,310 alleles (4.2%); highest among the groups gnomAD compares: South Asian, 5.2%; 1,529 homozygotes.

Submissions (3):

GeneDx
Classification: Benign. Last evaluated: 2021-06-21. Review status: criteria provided, single submitter. Criteria: GeneDx Variant Classification Process June 2021. Collection method: clinical testing. Allele origin: germline. Affected: yes.

Illumina Laboratory Services, Illumina
Classification: Benign for Atypical hemolytic-uremic syndrome with B factor anomaly. Last evaluated: 2018-01-13. Review status: criteria provided, single submitter. Criteria: ICSL Variant Classification Criteria 13 December 2019. Collection method: clinical testing. Allele origin: germline.
Comment: This variant was observed in the ICSL laboratory as part of a predisposition screen in an ostensibly healthy population. It had not been previously curated by ICSL or reported in the Human Gene Mutation Database (HGMD: prior to June 1st, 2018), and was therefore a candidate for classification through an automated scoring system. Utilizing variant allele frequency, disease prevalence and penetrance estimates, and inheritance mode, an automated score was calculated to assess if this variant is too frequent to cause the disease. Based on the score and internal cut-off values, a variant classified as benign is not then subjected to further curation. The score for this variant resulted in a classification of benign for this disease.

Illumina Laboratory Services, Illumina
Classification: Benign for Macular degeneration. Last evaluated: 2018-01-13. Review status: criteria provided, single submitter. Criteria: ICSL Variant Classification Criteria 13 December 2019. Collection method: clinical testing. Allele origin: germline.
Comment: the same text as in the submission from Illumina Laboratory Services, Illumina above.

NM_001710.6(CFB):c.*23C>T

Gene: CFB (complement factor B; plus strand). Cytogenetic location: 6p21.33.
Variant type: single nucleotide variant.
Coding change: c.*23C>T on transcript NM_001710.6 (MANE Select); 23 bases downstream of the stop codon, C replaced by T.
Molecular consequence: 3 prime UTR variant.
Genome position (GRCh38, 1-based): chr6:31,952,053, C>T. VCF-style: chr6-31952053-C-T. GRCh37 (hg19) VCF-style: chr6-31919830-C-T.
Identifiers: ClinVar variation 356297 (VCV000356297.6), dbSNP rs4151672, ClinGen allele CA3728610.